The following is an entry in ClinVar:

ClinVar aggregate classification (germline): Benign/Likely benign. Review status: criteria provided, multiple submitters, no conflicts (2 of 4 stars). 3 submissions from 3 submitters: Benign (1); Likely benign (2). Last evaluated 2025-01-16.

Conditions:
Hereditary cancer-predisposing syndrome. Also called: Neoplastic Syndromes, Hereditary; Tumor predisposition; Hereditary neoplastic syndrome; Hereditary Cancer Syndrome. Identifiers: Orphanet 140162, MedGen C0027672, MeSH D009386, MONDO:0015356.
Multiple endocrine neoplasia, type 1 (MEN1). Also called: MEN I; WERMER SYNDROME; Endocrine adenomatosis multiple; MEN 1; MEA I. Identifiers: Orphanet 652, MedGen C0025267, MeSH D018761, MONDO:0007540, OMIM 131100.

Allele frequency attached by ClinVar (database versions not stated): gnomAD exomes below 0.00001.
gnomAD v4.1: 1 of 1,614,166 alleles (0.000062%); highest among the groups gnomAD compares: Non-Finnish European, 0.000085%; no homozygotes.

Submissions (3):

Labcorp Genetics (formerly Invitae), Labcorp
Classification: Likely benign for Multiple endocrine neoplasia, type 1. Last evaluated: 2025-01-16. Review status: criteria provided, single submitter. Criteria: Invitae Variant Classification Sherloc (09022015). Collection method: clinical testing. Allele origin: germline.

Myriad Genetics, Inc.
Classification: Benign for Multiple endocrine neoplasia, type 1. Last evaluated: 2024-11-01. Review status: criteria provided, single submitter. Criteria: Myriad Autosomal Dominant, Autosomal Recessive and X-Linked Classification Criteria (2023). Collection method: clinical testing. Allele origin: unknown.
Comment: This variant is considered benign. This variant is a silent/synonymous amino acid change and it is not expected to impact splicing.

Ambry Genetics
Classification: Likely benign for Hereditary cancer-predisposing syndrome. Last evaluated: 2020-06-01. Review status: criteria provided, single submitter. Criteria: Ambry Variant Classification Scheme 2023. Collection method: clinical testing. Allele origin: germline.

NM_001370259.2(MEN1):c.756C>T (p.Asp252=)

Gene: MEN1 (menin 1; minus strand). Cytogenetic location: 11q13.1.
Variant type: single nucleotide variant.
Coding change: c.756C>T on transcript NM_001370259.2 (MANE Select); coding-DNA position 756, C replaced by T.
Protein change: p.Asp252=; no amino-acid change (aspartic acid 252 retained).
Molecular consequence: synonymous variant. On other transcripts: non-coding transcript variant (4).
Genome position (GRCh38, 1-based): chr11:64,807,579, G>A on the plus strand (C>T on the coding strand, the complement: MEN1 is on the minus strand). VCF-style: chr11-64807579-G-A. GRCh37 (hg19) VCF-style: chr11-64575051-G-A.
Other names: c.756C>T, p.Asp252= (NM_001407147.1, NM_001407152.1, NM_130799.3 and 7 more transcripts); c.651C>T, p.Asp217= (NM_001407148.1, NM_001407149.1, NM_001407151.1 and 2 more transcripts); c.771C>T, p.Asp257= (NM_001407150.1, NM_130800.3, NM_130801.3 and 5 more transcripts).
Identifiers: ClinVar variation 1759567 (VCV001759567.8), dbSNP rs2497203921, ClinGen allele CA474983766.